The following is an entry in ClinVar:

ClinVar aggregate classification (germline): Uncertain significance (1 of 4 stars; one submission).

Conditions:
Tumor predisposition syndrome 3 (TPDS3). Also called: LONG TELOMERE SYNDROME, POT1-RELATED; POT1 Tumor Predisposition; Glioma susceptibility 9; Melanoma, cutaneous malignant, susceptibility to, 10. Identifiers: Orphanet 618, MedGen C4014476, MONDO:0014368, OMIM 615848.

Submission:

Labcorp Genetics (formerly Invitae), Labcorp
Classification: Uncertain significance for Tumor predisposition syndrome 3. Last evaluated: 2025-10-01. Review status: criteria provided, single submitter. Criteria: Invitae Variant Classification Sherloc (09022015). Collection method: clinical testing. Allele origin: germline.
Comment: This sequence change replaces serine, which is neutral and polar, with proline, which is neutral and non-polar, at codon 283 of the POT1 protein (p.Ser283Pro). This variant is not present in population databases (gnomAD no frequency). This variant has not been reported in the literature in individuals affected with POT1-related conditions. ClinVar contains an entry for this variant (Variation ID: 1445888). Invitae Evidence Modeling of protein sequence and biophysical properties (such as structural, functional, and spatial information, amino acid conservation, physicochemical variation, residue mobility, and thermodynamic stability) indicates that this missense variant is not expected to disrupt POT1 protein function with a negative predictive value of 80%. In summary, the available evidence is currently insufficient to determine the role of this variant in disease. Therefore, it has been classified as a Variant of Uncertain Significance.

NM_015450.3(POT1):c.847T>C (p.Ser283Pro)

Gene: POT1 (protection of telomeres 1; minus strand). Cytogenetic location: 7q31.33.
Variant type: single nucleotide variant.
Coding change: c.847T>C on transcript NM_015450.3 (MANE Select); coding-DNA position 847, T replaced by C.
Protein change: p.Ser283Pro; replaces serine 283 with proline.
Molecular consequence: missense variant. On other transcripts: non-coding transcript variant (3).
Genome position (GRCh38, 1-based): chr7:124,852,994, A>G on the plus strand (T>C on the coding strand, the complement: POT1 is on the minus strand). VCF-style: chr7-124852994-A-G. GRCh37 (hg19) VCF-style: chr7-124493048-A-G.
Other names: c.454T>C, p.Ser152Pro (NM_001042594.2); short protein forms S283P, S152P.
Identifiers: ClinVar variation 1445888 (VCV001445888.8), dbSNP rs1584765580, ClinGen allele CA369055235.